The following is an entry in ClinVar:

NM_000186.4(CFH):c.1243del (p.Ala415fs)

Gene: CFH (complement factor H; plus strand). Cytogenetic location: 1q31.3.
Variant type: Deletion.
Coding change: c.1243del on transcript NM_000186.4 (MANE Select); coding-DNA position 1243, one base deleted (G; older notation c.1243delG).
Protein change: p.Ala415fs; shifts the reading frame from alanine 415.
Molecular consequence: frameshift variant.
Genome position (GRCh38, 1-based): chr1:196,690,146, G deleted. VCF-style (leftmost placement, unchanged base first): chr1-196690145-TG-T. GRCh37 (hg19) VCF-style: chr1-196659275-TG-T.
Other names: c.1243del, p.Ala415fs (NM_001014975.3); short protein forms A415fs.
Identifiers: ClinVar variation 1452931 (VCV001452931.9), dbSNP rs2149088724, ClinGen allele CA2573131336.
Genomic context (GRCh38, chr1:196,690,145, plus strand): 5'-GGAAAATGGATATAATCAAAATCATGGAAGAAAGTTTGTACAGGGTAAATCTATAGACGT[TG>T]CCTGCCATCCTGGCTACGCTCTTCCAAAAGCGCAGACCACAGTTACATGTATGGAGAATG-3'

ClinVar aggregate classification (germline): Pathogenic. Review status: criteria provided, multiple submitters, no conflicts (2 of 4 stars). 2 submissions from 2 submitters: Pathogenic (2). Last evaluated 2025-10-02.

Conditions:
Atypical hemolytic-uremic syndrome. Identifiers: Orphanet 2134, MedGen C2931788, MONDO:0016244.
Basal laminar drusen. Also called: DRUSEN OF BRUCH MEMBRANE; DRUSEN, CUTICULAR; DRUSEN, EARLY ADULT-ONSET, GROUPED. Identifiers: Orphanet 75376, MedGen C0730295, MONDO:0007472, OMIM 126700.

Submissions (2):

Genomenon, Inc
Classification: Pathogenic for Basal laminar drusen; Atypical hemolytic-uremic syndrome. Last evaluated: 2025-10-02. Review status: criteria provided, single submitter. Criteria: Genomenon Sequence Variant Interpretation Standards - Updated. Collection method: curation. Allele origin: germline. Affected: yes.
Comment: CFH p.Ala415ProfsTer39 (c.1243del) is a frameshift variant that results in the production of a truncated protein which is predicted to undergo nonsense-mediated mRNA decay. This variant has been observed in at least one proband affected with a CFH-related disorder (PMID:35369010;30905644). The variant was found to segregate with disease in at least one affected family (PMID:30905644). Functional studies have been reported (PMID:30905644). It is absent or not present at a significant frequency in gnomAD. In conclusion, we classify CFH p.Ala415ProfsTer39 (c.1243del) as a pathogenic variant.

Labcorp Genetics (formerly Invitae), Labcorp
Classification: Pathogenic. Last evaluated: 2025-02-19. Review status: criteria provided, single submitter. Criteria: Invitae Variant Classification Sherloc (09022015). Collection method: clinical testing. Allele origin: germline.
Comment: This sequence change creates a premature translational stop signal (p.Ala415Profs*39) in the CFH gene. It is expected to result in an absent or disrupted protein product. Loss-of-function variants in CFH are known to be pathogenic (PMID: 11170896, 14978182, 16621965, 23870792, 25188723). This variant is not present in population databases (gnomAD no frequency). This premature translational stop signal has been observed in individual(s) with early onset macular drusen (PMID: 30905644). ClinVar contains an entry for this variant (Variation ID: 1452931). For these reasons, this variant has been classified as Pathogenic.

Literature cited by the submitters: PubMed 35369010 (cited by Genomenon, Inc); PubMed 30905644 (cited by Genomenon, Inc and Labcorp Genetics (formerly Invitae), Labcorp); PubMed 11170896 (cited by Labcorp Genetics (formerly Invitae), Labcorp); PubMed 14978182 (cited by Labcorp Genetics (formerly Invitae), Labcorp); PubMed 16621965 (cited by Labcorp Genetics (formerly Invitae), Labcorp); PubMed 23870792 (cited by Labcorp Genetics (formerly Invitae), Labcorp); PubMed 25188723 (cited by Labcorp Genetics (formerly Invitae), Labcorp).